The following is an entry in ClinVar:

ClinVar aggregate classification (germline): Uncertain significance. Review status: criteria provided, multiple submitters, no conflicts (2 of 4 stars). 2 submissions from 2 submitters: Uncertain significance (2). Last evaluated 2025-04-09.

Allele frequency attached by ClinVar (database versions not stated): ExAC 0.00002; gnomAD 0.00003 and 0.00004; TOPMed 0.00003; gnomAD exomes 0.00004 and 0.00007; ESP Exome Variant Server 0.00008.

Submissions (2):

Women's Health and Genetics/Laboratory Corporation of America, LabCorp
Classification: Uncertain significance. Last evaluated: 2025-04-09. Review status: criteria provided, single submitter. Criteria: LabCorp Variant Classification Summary - May 2015. Collection method: clinical testing. Allele origin: germline.
Comment: Variant summary: LAMA1 c.185G>A (p.Arg62Gln) results in a conservative amino acid change in the encoded protein sequence. Three of five in-silico tools predict a benign effect of the variant on protein function. The variant allele was found at a frequency of 4.4e-05 in 251084 control chromosomes. This frequency is not significantly higher than estimated for a pathogenic variant in LAMA1 causing Ataxia-Intellectual Disability-Oculomotor Apraxia-Cerebellar Cysts Syndrome, allowing no conclusion about variant significance. To our knowledge, no occurrence of c.185G>A in individuals affected with Ataxia-Intellectual Disability-Oculomotor Apraxia-Cerebellar Cysts Syndrome and no experimental evidence demonstrating its impact on protein function have been reported. ClinVar contains an entry for this variant (Variation ID: 1368342). Based on the evidence outlined above, the variant was classified as uncertain significance.

Labcorp Genetics (formerly Invitae), Labcorp
Classification: Uncertain significance. Last evaluated: 2022-07-05. Review status: criteria provided, single submitter. Criteria: Invitae Variant Classification Sherloc (09022015). Collection method: clinical testing. Allele origin: germline.
Comment: This sequence change replaces arginine, which is basic and polar, with glutamine, which is neutral and polar, at codon 62 of the LAMA1 protein (p.Arg62Gln). In summary, the available evidence is currently insufficient to determine the role of this variant in disease. Therefore, it has been classified as a Variant of Uncertain Significance. Algorithms developed to predict the effect of missense changes on protein structure and function are either unavailable or do not agree on the potential impact of this missense change (SIFT: "Tolerated"; PolyPhen-2: "Possibly Damaging"; Align-GVGD: "Class C0"). This variant has not been reported in the literature in individuals affected with LAMA1-related conditions. This variant is present in population databases (rs376345144, gnomAD 0.02%).

NM_005559.4(LAMA1):c.185G>A (p.Arg62Gln)

Gene: LAMA1 (laminin subunit alpha 1; minus strand). Cytogenetic location: 18p11.31.
Variant type: single nucleotide variant.
Coding change: c.185G>A on transcript NM_005559.4 (MANE Select); coding-DNA position 185, G replaced by A.
Protein change: p.Arg62Gln; replaces arginine 62 with glutamine.
Molecular consequence: missense variant.
Genome position (GRCh38, 1-based): chr18:7,080,334, C>T on the plus strand (G>A on the coding strand, the complement: LAMA1 is on the minus strand). VCF-style: chr18-7080334-C-T. GRCh37 (hg19) VCF-style: chr18-7080333-C-T.
Other names: short protein forms R62Q.
Identifiers: ClinVar variation 1368342 (VCV001368342.8), dbSNP rs376345144, ClinGen allele CA8883392.